The following is an entry in ClinVar:

NM_003982.4(SLC7A7):c.1400del (p.Lys467fs)

Gene: SLC7A7 (solute carrier family 7 member 7; minus strand). Cytogenetic location: 14q11.2.
Variant type: Deletion.
Coding change: c.1400del on transcript NM_003982.4 (MANE Select); coding-DNA position 1400, one base deleted (A; older notation c.1400delA).
Protein change: p.Lys467fs; shifts the reading frame from lysine 467.
Molecular consequence: frameshift variant.
Genome position (GRCh38, 1-based): chr14:22,773,962, T deleted on the plus strand (A on the coding strand, the reverse complement: SLC7A7 is on the minus strand); the first of 2 consecutive T bases (chr14:22,773,962-22,773,963); deleting either gives the same sequence. VCF-style (leftmost placement, unchanged base first): chr14-22773961-CT-C. GRCh37 (hg19) VCF-style: chr14-23243170-CT-C.
Other names: c.1400del, p.Lys467fs (NM_001126105.3, NM_001126106.4); short protein forms K467fs.
Identifiers: ClinVar variation 1459477 (VCV001459477.8), dbSNP rs2139383000, ClinGen allele CA2573149738.

ClinVar aggregate classification (germline): Pathogenic (1 of 4 stars; one submission).

Conditions:
Lysinuric protein intolerance (LPI). Identifiers: Orphanet 470, MedGen C0268647, MONDO:0009109, OMIM 222700.

Submission:

Labcorp Genetics (formerly Invitae), Labcorp
Classification: Pathogenic for Lysinuric protein intolerance. Last evaluated: 2020-11-01. Review status: criteria provided, single submitter. Criteria: Invitae Variant Classification Sherloc (09022015). Collection method: clinical testing. Allele origin: germline.
Comment: For these reasons, this variant has been classified as Pathogenic. This variant disrupts the C-terminus of the SLC7A7 protein. Other variant(s) that disrupt this region (p.Arg468*) have been determined to be pathogenic (PMID: 18716612). This suggests that variants that disrupt this region of the protein are likely to be causative of disease. This variant has not been reported in the literature in individuals with SLC7A7-related conditions. This variant is not present in population databases (ExAC no frequency). This sequence change results in a frameshift in the SLC7A7 gene (p.Lys467Serfs*52). While this is not anticipated to result in nonsense mediated decay, it is expected to disrupt the last 45 amino acid(s) of the SLC7A7 protein and extend the protein by 6 additional amino acid residues.

Literature cited by the submitters: PubMed 18716612.